The following is an entry in ClinVar:

NM_000238.4(KCNH2):c.76+161G>C

Gene: KCNH2 (potassium voltage-gated channel subfamily H member 2; minus strand). Cytogenetic location: 7q36.1.
Variant type: single nucleotide variant.
Coding change: c.76+161G>C on transcript NM_000238.4 (MANE Select); 161 bases into the intron after coding-DNA position 76, G replaced by C.
Molecular consequence: intron variant.
Genome position (GRCh38, 1-based): chr7:150,977,677, C>G on the plus strand (G>C on the coding strand, the complement: KCNH2 is on the minus strand). VCF-style: chr7-150977677-C-G. GRCh37 (hg19) VCF-style: chr7-150674765-C-G.
Other names: c.76+161G>C (NM_172056.3).
Identifiers: ClinVar variation 671894 (VCV000671894.3), dbSNP rs35277497, ClinGen allele CA12601059.

ClinVar aggregate classification (germline): Benign (1 of 4 stars; one submission).

Allele frequency attached by ClinVar (database versions not stated): 1000 Genomes Project 30x 0.21861; 1000 Genomes Project 0.21985; TOPMed 0.26083.
gnomAD v4.1: 40,003 of 150,666 alleles (27%); highest among the groups gnomAD compares: Non-Finnish European, 34%; 5,998 homozygotes.

Submission:

GeneDx
Classification: Benign. Last evaluated: 2018-06-14. Review status: criteria provided, single submitter. Criteria: GeneDx Variant Classification (06012015). Collection method: clinical testing. Allele origin: germline. Affected: yes.
Comment: This variant is considered likely benign or benign based on one or more of the following criteria: it is a conservative change, it occurs at a poorly conserved position in the protein, it is predicted to be benign by multiple in silico algorithms, and/or has population frequency not consistent with disease.